The following is an entry in ClinVar:

NM_001042492.3(NF1):c.5639T>G (p.Leu1880Ter)

Gene: NF1 (neurofibromin 1; plus strand). Cytogenetic location: 17q11.2.
Variant type: single nucleotide variant.
Coding change: c.5639T>G on transcript NM_001042492.3 (MANE Select); coding-DNA position 5639, T replaced by G.
Protein change: p.Leu1880Ter; replaces leucine 1880 with a stop codon.
Molecular consequence: nonsense.
Genome position (GRCh38, 1-based): chr17:31,330,325, T>G. VCF-style: chr17-31330325-T-G. GRCh37 (hg19) VCF-style: chr17-29657343-T-G.
Other names: c.5576T>G, p.Leu1859Ter (NM_000267.4); short protein forms L1859*, L1880*.
Identifiers: ClinVar variation 863800 (VCV000863800.2), dbSNP rs1567613595, ClinGen allele CA399010153.

ClinVar aggregate classification (germline): Pathogenic. Review status: criteria provided, multiple submitters, no conflicts (2 of 4 stars). 2 submissions from 2 submitters: Pathogenic (2). Last evaluated 2022-02-10.

Conditions:
NF1-related disorder. Also called: NF1-related condition. Identifiers: MedGen CN379171.
Neurofibromatosis, type 1 (NF1). Also called: NEUROFIBROMATOSIS, TYPE I, SOMATIC; Neurofibromatosis, type I; VON RECKLINGHAUSEN DISEASE; Peripheral type neurofibromatosis. Identifiers: Orphanet 636, MedGen C0027831, MONDO:0018975, OMIM 162200. Disease mechanism: loss of function.

Submissions (2):

Blueprint Genetics
Classification: Pathogenic for NF1-related disorders. Last evaluated: 2022-02-10. Review status: criteria provided, single submitter. Criteria: ACMG Guidelines, 2015. Collection method: clinical testing. Allele origin: germline. Affected: yes. Observed: 1 variant allele.

Labcorp Genetics (formerly Invitae), Labcorp
Classification: Pathogenic for Neurofibromatosis, type 1. Last evaluated: 2019-12-10. Review status: criteria provided, single submitter. Criteria: Invitae Variant Classification Sherloc (09022015). Collection method: clinical testing. Allele origin: germline.
Comment: This sequence change creates a premature translational stop signal (p.Leu1859*) in the NF1 gene. It is expected to result in an absent or disrupted protein product. This variant is not present in population databases (ExAC no frequency). This nonsense change has been observed in individuals with clinical features of Neurofibromatosis, type 1 (PMID: 28961165, Invitae). Loss-of-function variants in NF1 are known to be pathogenic (PMID: 10712197, 23913538). For these reasons, this variant has been classified as Pathogenic.

Literature cited by the submitters: PubMed 28961165 (cited by Labcorp Genetics (formerly Invitae), Labcorp).